The following is an entry in ClinVar:

ClinVar aggregate classification (germline): Uncertain significance (1 of 4 stars; one submission).

Conditions:
Visceral myopathy 2. Identifiers: MedGen C5543466, MONDO:0859157, OMIM 619350.
Megacystis-microcolon-intestinal hypoperistalsis syndrome 2. Identifiers: MedGen C5543476, MONDO:0025708, OMIM 619351.
Aortic aneurysm, familial thoracic 4 (AAT4). Also called: AORTIC ANEURYSM/AORTIC DISSECTION AND PATENT DUCTUS ARTERIOSUS. Identifiers: MedGen C1851504, MONDO:0007568, OMIM 132900.

Submission:

Juno Genomics, Hangzhou Juno Genomics, Inc
Classification: Uncertain significance for Visceral myopathy 2; Aortic aneurysm, familial thoracic 4; Megacystis-microcolon-intestinal hypoperistalsis syndrome 2. Review status: criteria provided, single submitter. Criteria: ACMG Guidelines, 2015. Collection method: clinical testing. Allele origin: germline.
Comment: Absent from controls (or at extremely low frequency if recessive) in Genome Aggregation Database.;Multiple lines of computational evidence support a deleterious effect on the gene or gene product.;Missense variant in a gene that has a low rate of benign missense variation.

NM_002474.3(MYH11):c.4070A>T (p.Glu1357Val)

Genes: MYH11 (myosin heavy chain 11; minus strand), NDE1 (nudE neurodevelopment protein 1; plus strand). Cytogenetic location: 16p13.11.
Variant type: single nucleotide variant.
Coding change: c.4070A>T on transcript NM_002474.3 (MANE Select); coding-DNA position 4070, A replaced by T.
Protein change: p.Glu1357Val; replaces glutamic acid 1357 with valine.
Molecular consequence: missense variant. On other transcripts: 3 prime UTR variant (2).
Genome position (GRCh38, 1-based): chr16:15,724,693, T>A on the plus strand (A>T on the coding strand, the complement: MYH11 is on the minus strand). VCF-style: chr16-15724693-T-A. GRCh37 (hg19) VCF-style: chr16-15818550-T-A.
Other names: c.4070A>T, p.Glu1357Val (NM_022844.3); c.*442T>A (NM_001143979.2, NM_017668.3); c.4091A>T, p.Glu1364Val (NM_001040113.2, NM_001040114.2); short protein forms E1357V, E1364V.
Identifiers: ClinVar variation 5019319 (VCV005019319.3).